The following is an entry in ClinVar:

NM_177924.5(ASAH1):c.96A>C (p.Arg32Ser)

Gene: ASAH1 (N-acylsphingosine amidohydrolase 1; minus strand). Cytogenetic location: 8p22.
Variant type: single nucleotide variant.
Coding change: c.96A>C on transcript NM_177924.5 (MANE Select); coding-DNA position 96, A replaced by C.
Protein change: p.Arg32Ser; replaces arginine 32 with serine.
Molecular consequence: missense variant. On other transcripts: 5 prime UTR variant (1).
Genome position (GRCh38, 1-based): chr8:18,075,570, T>G on the plus strand (A>C on the coding strand, the complement: ASAH1 is on the minus strand). VCF-style: chr8-18075570-T-G. GRCh37 (hg19) VCF-style: chr8-17933079-T-G.
Other names: p.Arg32Ser; c.144A>C, p.Arg48Ser (NM_001127505.3, NM_004315.6); c.-100A>C (NM_001363743.2); short protein forms R32S, R48S.
Identifiers: ClinVar variation 1176260 (VCV001176260.40), dbSNP rs1564550329, ClinGen allele CA370434627.

ClinVar aggregate classification (germline): Uncertain significance. Review status: criteria provided, multiple submitters, no conflicts (2 of 4 stars). 3 submissions from 3 submitters: Uncertain significance (3). Last evaluated 2022-06-30.

Allele frequency attached by ClinVar (database versions not stated): gnomAD exomes below 0.00001; gnomAD 0.00001.
gnomAD v4.1: 2 of 1,614,082 alleles (0.00012%); highest among the groups gnomAD compares: Admixed American, 0.0017%; no homozygotes.

Submissions (3):

Mayo Clinic Laboratories, Mayo Clinic
Classification: Uncertain significance. Last evaluated: 2022-06-30. Review status: criteria provided, single submitter. Criteria: ACMG Guidelines, 2015. Collection method: clinical testing. Allele origin: germline. Observed: 1 variant allele.
Comment: PM2

Labcorp Genetics (formerly Invitae), Labcorp
Classification: Uncertain significance. Last evaluated: 2021-06-07. Review status: criteria provided, single submitter. Criteria: Invitae Variant Classification Sherloc (09022015). Collection method: clinical testing. Allele origin: germline.
Comment: In summary, the available evidence is currently insufficient to determine the role of this variant in disease. Therefore, it has been classified as a Variant of Uncertain Significance. Algorithms developed to predict the effect of missense changes on protein structure and function (SIFT, PolyPhen-2, Align-GVGD) all suggest that this variant is likely to be tolerated, but these predictions have not been confirmed by published functional studies and their clinical significance is uncertain. This variant has not been reported in the literature in individuals with ASAH1-related conditions. This variant is not present in population databases (ExAC no frequency). This sequence change replaces arginine with serine at codon 32 of the ASAH1 protein (p.Arg32Ser). The arginine residue is highly conserved and there is a moderate physicochemical difference between arginine and serine.

CeGaT Center for Human Genetics Tuebingen
Classification: Uncertain significance. Last evaluated: 2021-03-01. Review status: criteria provided, single submitter. Criteria: CeGaT Center For Human Genetics Tuebingen Variant Classification Criteria Version 2. Collection method: clinical testing. Allele origin: germline. Affected: yes. Observed: 2 variant alleles.